The following continues an entry in ClinVar:

NM_001127701.1(SERPINA1):c.863A>T (p.Glu288Val)

Gene: SERPINA1. ClinVar aggregate classification (germline): Pathogenic/Pathogenic, low penetrance; other. Pathogenic (22); Pathogenic, low penetrance (1).

Submissions 10 to 22 of 54:

Women's Health and Genetics/Laboratory Corporation of America, LabCorp
Classification: Pathogenic for Alpha-1-antitrypsin deficiency. Last evaluated: 2023-02-13. Review status: criteria provided, single submitter. Criteria: LabCorp Variant Classification Summary - May 2015. Collection method: clinical testing. Allele origin: germline.
Comment: Variant summary: SERPINA1 c.863A>T (p.Glu288Val) results in a non-conservative amino acid change in the encoded protein sequence and is also known as the PI*S allele/S allele/p.Glu264Val in the literature. Four of Five in-silico tools predict a damaging effect of the variant on protein function. The variant allele was found at a frequency of 0.023 in 251480 control chromosomes in the gnomAD database, including 131 homozygotes. This variant is one of the two most frequent deficiency alleles and is a common variant associated with alpha-1 antitrypsin deficiency (AATD). The variant is reported to confer a 20-50% emphysema risk in individuals when present with the pathogenic PI*Z allele or Z allele (p.Glu366Lys), while in does not confer a risk in individuals when present as a homozygote or heterozygote (Review: Stoller_2005). Experimental studies have shown this variant to result in reduced secretion of alpha-1 antitrypsin due to intracellular degradation in vitro, which causes lower expression as well as secretion in blood (Curiel_1999) . 21 clinical diagnostic laboratories have submitted clinical-significance assessments for this variant to ClinVar after 2014 without evidence for independent evaluation. Most submitters report the variant as pathogenic or risk allele/low penetrance. Based on the evidence outlined above, the variant was classified as pathogenic - low penetrance.

Molecular Genetics, Royal Melbourne Hospital
Classification: Pathogenic for Alpha-1-antitrypsin deficiency. Last evaluated: 2022-12-04. Review status: criteria provided, single submitter. Criteria: ACMG Guidelines, 2015. Collection method: clinical testing. Allele origin: germline.
Comment: This sequence change in SERPINA1 is predicted to replace glutamic acid with valine at codon 288, p.(Glu288Val). The glutamic acid residue is highly conserved (86/86 vertebrates, UCSC). There is a large physicochemical difference between glutamic acid and valine. This variant is common in the European (non-Finnish) population with a minor allele frequency of 3.7% (4,738/129,176 alleles, including 117 homozygotes) in this population in the population database gnomAD v2.1. SERPINA1, in which the variant was identified, is a gene known to have two pathogenic missense variant alleles- PI*S (this variant) and PI*Z (c.1096G>A, p.Glu366Lys), that are responsible for the majority of cases of alpha-1-antitrypsin deficiency when present as homozygous (PI*ZZ) or compound heterozygous (PI*SZ) genotypes; truncating variants are also rarely present (PMID: 20301692). PI*SZ compound heterozygotes also have reduced serum alpha-1-antitrypsin levels, which is highly specific for alpha-1-antitrypsin deficiency (PMID: 22426792, 23632999, 15994391). In silico modelling and in vitro assays using human blood monocytes and mouse fibroblasts showed that the mutant protein is more susceptible to intracellular polymerisation and degradation leading to reduced secretion when compared to the wildtype protein; other studies using purified variant protein from homozygotes demonstrated a small but significant decrease in protease inhibitory activity (PMID: 3257660). Together, these indicate that this variant impacts protein function. Multiple lines of computational evidence predict a deleterious effect for the missense substitution (6/6 algorithms). Based on the classification scheme RMH Modified ACMG Guidelines v1.5.1, this variant is classified as PATHOGENIC. Following criteria are met: PM3_VeryStrong, PP3, PS3_Supporting.

Clinical Genetics Laboratory, Skane University Hospital Lund
Classification: Pathogenic. Last evaluated: 2022-10-11. Review status: criteria provided, single submitter. Criteria: ACMG Guidelines, 2015. Collection method: clinical testing. Allele origin: germline. Affected: yes.

Greenwood Genetic Center Diagnostic Laboratories, Greenwood Genetic Center
Classification: Pathogenic for Alpha-1-antitrypsin deficiency. Last evaluated: 2022-06-30. Review status: criteria provided, single submitter. Criteria: ACMG Guidelines, 2015. Collection method: clinical testing. Allele origin: germline. Affected: yes.
Comment: PS3, PS4, PM3, PP3

Genetics and Molecular Pathology, SA Pathology
Classification: Pathogenic for Alpha-1-antitrypsin deficiency. Last evaluated: 2022-04-05. Review status: criteria provided, single submitter. Criteria: ACMG Guidelines, 2015. Collection method: clinical testing. Allele origin: germline. Inheritance: Autosomal recessive inheritance. Affected: yes.
Comment: The SERPINA1 c.863A>T variant is classified as PATHOGENIC (PS3, PS4, PM3) The SERPINA1 c.863A>T variant is a single nucleotide change in exon 3/5 of the SERPINA1 gene, which is predicted to change the amino acid glutamic acid at position 288 in the protein to valine. This variant has been identified in many individuals with Alpha-1-antitrypsin deficiency (PS4), in compound heterozygous state with another pathogenic allele (PM3). Well-established functional studies show a deleterious effect of this variant (PMID:2567291) (PS3). The variant has been reported in dbSNP (rs17580) and has been reported as pathogenic by other diagnostic laboratories (ClinVar Variation ID: 17969, HGMD: CM890097).

AiLife Diagnostics
Classification: Pathogenic. Last evaluated: 2022-01-27. Review status: criteria provided, single submitter. Criteria: ACMG Guidelines, 2015. Collection method: clinical testing. Allele origin: germline. Affected: yes. Observed: 4 variant alleles.

GeneDx
Classification: Pathogenic. Last evaluated: 2021-12-17. Review status: criteria provided, single submitter. Criteria: GeneDx Variant Classification Process June 2021. Collection method: clinical testing. Allele origin: germline. Affected: yes.
Comment: Results in reduced cellular secretion of alpha-1 antitrypsin as the S-type alpha-1 antitrypsin protein is degraded intracellularly prior to secretion (Curiel et al., 1989; Ferrarotti et al., 2012); In silico analysis supports that this missense variant has a deleterious effect on protein structure/function; This variant is associated with the following publications: (PMID: 24055113, 22975760, 20981092, 26672964, 25637381, 2567291, 8970361, 22426792, 27535533, 27153395, 27959697, 22933512, 29882371, 29232161, 31447099, 31980526)

Victorian Clinical Genetics Services, Murdoch Childrens Research Institute
Classification: Pathogenic for Alpha-1-antitrypsin deficiency. Last evaluated: 2021-05-06. Review status: criteria provided, single submitter. Criteria: ACMG Guidelines, 2015. Collection method: clinical testing. Allele origin: germline. Inheritance: Autosomal recessive inheritance. Affected: yes.
Comment: Based on the classification scheme VCGS_Germline_v1.3.4, this variant is classified as Pathogenic. Following criteria are met: 0102 - Loss of function is a known mechanism of disease in this gene and is associated with alpha-1-1-antitrypsin deficiency (MIM#613490). (I) 0106 - This gene is associated with autosomal recessive disease. (I) 0200 - Variant is predicted to result in a missense amino acid change from glutamic acid to valine. (I) 0251 - This variant is heterozygous. (I) 0305 - Variant is present in gnomAD (v2) >=0.01 and <0.03 for a recessive condition (6606 heterozygotes, 143 homozygotes). (I) 0501 - Missense variant consistently predicted to be damaging by multiple in silico tools or highly conserved with a major amino acid change. (SP) 0600 - Variant is located in the annotated serpin superfamily domain (NCBI). (I) 0705 - No comparable missense variants have previous evidence for pathogenicity. (I) 0801 - This variant has strong previous evidence of pathogenicity in unrelated individuals. This is a well-studied pathogenic variant in AAT deficiency, also known as the S allele, and is only disease causing when in trans with another pathogenic allele. Homozygous and heterozygous S allele carriers do not present with symptoms (ClinVar, PMID: 15978931). (SP) 1002 - This variant has moderate functional evidence supporting abnormal protein function. The S allele has previously been shown to result in intracellular protein degradation (PMID: 15978931). (SP) 1208 - Inheritance information for this variant is not currently available in this individual. (I) Legend: (SP) – Supporting pathogenic, (I) - Information, (SB) – Supporting benign

CENTOGENE GmbH and LLC - Guiding Precision Medicine
Classification: Pathogenic for Alpha-1-antitrypsin deficiency. Last evaluated: 2021-04-12. Review status: criteria provided, single submitter. Criteria: ACMG Guidelines, 2015. Collection method: clinical testing. Allele origin: germline.

Mendelics
Classification: Pathogenic for Alpha-1-antitrypsin deficiency. Last evaluated: 2019-05-28. Review status: criteria provided, single submitter. Criteria: Mendelics Assertion Criteria 2017. Collection method: clinical testing. Allele origin: unknown.

Fulgent Genetics
Classification: Pathogenic for Chronic obstructive pulmonary disease; Alpha-1-antitrypsin deficiency. Last evaluated: 2018-10-31. Review status: criteria provided, single submitter. Criteria: ACMG Guidelines, 2015. Collection method: clinical testing. Allele origin: unknown.

Eurofins Ntd Llc (ga)
Classification: other. Last evaluated: 2018-04-09. Review status: criteria provided, single submitter. Criteria: EGL ClinVar v180209 classification definitions. Collection method: clinical testing. Allele origin: germline. Observed: 243 variant alleles, 233 heterozygotes, 9 homozygotes.

Illumina Laboratory Services, Illumina
Classification: Pathogenic for Alpha-1 Antitrypsin Deficiency. Last evaluated: 2016-06-14. Review status: criteria provided, single submitter. Criteria: ICSL Variant Classification 20161018. Collection method: clinical testing. Allele origin: germline.
Comment: The c.863A>T (p.Glu288Val) variant, which is also reported as p.Glu264Val or the S allele, is usually of clinical consequence only in the compound heterozygous state with another pathogenic allele that results in concentrations of alpha-1 antitrypsin (AAT) that fall below the protective threshold of 57 mg/dL (Stoller et al. 2014). The p.Glu288Val variant in a compound heterozygous state is not usually associated with a high risk for liver disease, though some individuals may be at an increased risk for lung disease (Turino et al. 1996). Individuals who are homozygous for the p.Glu288Val variant do not appear to be at an increased risk for clinical disease and often do not show any clinical symptoms (Ferrarotti et al. 2012). Curiel et al. (1989) demonstrated that the p.Glu288Val variant results in intracellular degradation of AAT protein prior to secretion. The p.Glu288Val variant is reported at a frequency of 0.10577 in the Puerto Ricans from Puerto Rico population in the 1000 Genomes Project. This allele frequency is high but is consistent with estimates of disease prevalence and mild clinical presentation. Based on the evidence, the p.Glu288Val variant is classified as pathogenic for alpha-1 antitrypsin deficiency.